The following is an entry in ClinVar:

ClinVar aggregate classification (germline): Uncertain significance (1 of 4 stars; one submission).

Conditions:
Hereditary cancer-predisposing syndrome. Also called: Tumor predisposition; Hereditary neoplastic syndrome; Hereditary Cancer Syndrome; Neoplastic Syndromes, Hereditary. Identifiers: Orphanet 140162, MedGen C0027672, MeSH D009386, MONDO:0015356.

Submission:

Ambry Genetics
Classification: Uncertain significance for Hereditary cancer-predisposing syndrome. Last evaluated: 2023-12-01. Review status: criteria provided, single submitter. Criteria: Ambry Variant Classification Scheme 2023. Collection method: clinical testing. Allele origin: germline.
Comment: The c.995-5T>G intronic variant results from a T to G substitution 5 nucleotides upstream from coding exon 9 in the NBN gene. This nucleotide position is highly conserved in available vertebrate species. In silico splice site analysis predicts that this alteration will not have any significant effect on splicing. Since supporting evidence is limited at this time, the clinical significance of this alteration remains unclear.

NM_002485.5(NBN):c.995-5T>G

Gene: NBN (nibrin; minus strand). Cytogenetic location: 8q21.3.
Variant type: single nucleotide variant.
Coding change: c.995-5T>G on transcript NM_002485.5 (MANE Select); 5 bases into the intron before coding-DNA position 995, T replaced by G.
Molecular consequence: intron variant.
Genome position (GRCh38, 1-based): chr8:89,958,859, A>C on the plus strand (T>G on the coding strand, the complement: NBN is on the minus strand). VCF-style: chr8-89958859-A-C. GRCh37 (hg19) VCF-style: chr8-90971087-A-C.
Other names: c.749-5T>G (NM_001024688.3).
Identifiers: ClinVar variation 3222440 (VCV003222440.1), dbSNP rs2129747292, ClinGen allele CA2825001600.